The following is an entry in ClinVar:

ClinVar aggregate classification (germline): Likely pathogenic (0 of 4 stars; one submission).

Conditions:
Pyruvate dehydrogenase E1-alpha deficiency (PDHAD). Also called: ATAXIA, INTERMITTENT, WITH PYRUVATE DEHYDROGENASE DEFICIENCY; ATAXIA WITH LACTIC ACIDOSIS I; ATAXIA, INTERMITTENT, WITH ABNORMAL PYRUVATE METABOLISM; Ataxia, intermittent, with pyruvate dehydrogenase, or decarboxylase, deficiency. Identifiers: Orphanet 79243, MedGen C1839413, MONDO:0010717, OMIM 312170.

Submission:

PDHA1 Study Group, University Children’s Hospital, Paracelsus Medical University
Classification: Likely pathogenic for Pyruvate dehydrogenase E1-alpha deficiency. Last evaluated: 2024-10-15. Review status: no assertion criteria provided. Collection method: research. Allele origin: germline. Affected: yes. Observed: 1 variant allele.
Comment: The NM_000284.3:c.586G>A (p.Asp196Asn) substitution is a missense variant in PDHA1 gene. Last literature search: July 12, 2024. This variant is absent or extremely rare in population-based cohorts in the Genome Aggregation Database (gnomAD). Individuals harboring this variant presented with clinical features compatible with PDHA1-related PDHc deficiency. In summary, this variant meets criteria to be classified as likely pathogenic (LP) for PDHA1-related PDHc deficiency based on the ACMG/AMP criteria applied: PM1, PM2, PM5, PP3 (last assessment October 15, 2024).

Literature cited by the submitters: DOI 10.1093/brain/awaf430.

NM_000284.4(PDHA1):c.586G>A (p.Asp196Asn)

Gene: PDHA1 (pyruvate dehydrogenase E1 subunit alpha 1; plus strand). Cytogenetic location: Xp22.12.
Variant type: single nucleotide variant.
Coding change: c.586G>A on transcript NM_000284.4 (MANE Select); coding-DNA position 586, G replaced by A.
Protein change: p.Asp196Asn; replaces aspartic acid 196 with asparagine.
Molecular consequence: missense variant. On other transcripts: intron variant (1).
Genome position (GRCh38, 1-based): chrX:19,354,566, G>A. VCF-style: chrX-19354566-G-A. GRCh37 (hg19) VCF-style: chrX-19372684-G-A.
Other names: c.700G>A, p.Asp234Asn (NM_001173454.2); c.607G>A, p.Asp203Asn (NM_001173455.2); c.511-783G>A (NM_001173456.2); short protein forms D196N, D203N, D234N.
Identifiers: ClinVar variation 4070341 (VCV004070341.1).